The following is an entry in ClinVar:

NM_002838.5(PTPRC):c.1457G>A (p.Ser486Asn)

Gene: PTPRC (protein tyrosine phosphatase receptor type C; plus strand). Cytogenetic location: 1q32.1.
Variant type: single nucleotide variant.
Coding change: c.1457G>A on transcript NM_002838.5 (MANE Select); coding-DNA position 1457, G replaced by A.
Protein change: p.Ser486Asn; replaces serine 486 with asparagine.
Molecular consequence: missense variant.
Genome position (GRCh38, 1-based): chr1:198,718,100, G>A. VCF-style: chr1-198718100-G-A. GRCh37 (hg19) VCF-style: chr1-198687229-G-A.
Other names: c.974G>A, p.Ser325Asn (NM_080921.4); short protein forms S325N, S486N.
Identifiers: ClinVar variation 1061906 (VCV001061906.9), dbSNP rs759266994, ClinGen allele CA1314807.

ClinVar aggregate classification (germline): Uncertain significance (1 of 4 stars; one submission).

Conditions:
Immunodeficiency 104. Also called: IMMUNODEFICIENCY 104, SEVERE COMBINED; Severe combined immunodeficiency, autosomal recessive, T cell-negative, B cell-positive, NK cell-positive; Severe Combined Immune Deficiency, Autosomal Recessive, TCell -Negative, B Cell-Positive, NK Cell-Positive, IL7R-Related; SCID, AUTOSOMAL RECESSIVE, T CELL-NEGATIVE, B CELL-POSITIVE, NK CELL-POSITIVE. Identifiers: MedGen C5676890, MONDO:0012163, OMIM 608971.

Allele frequency attached by ClinVar (database versions not stated): gnomAD exomes below 0.00001; ExAC 0.00001.
gnomAD v4.1: 2 of 1,611,192 alleles (0.00012%); highest among the groups gnomAD compares: Non-Finnish European, 0.00017%; no homozygotes.

Submission:

Labcorp Genetics (formerly Invitae), Labcorp
Classification: Uncertain significance for Immunodeficiency 104. Last evaluated: 2022-02-09. Review status: criteria provided, single submitter. Criteria: Invitae Variant Classification Sherloc (09022015). Collection method: clinical testing. Allele origin: germline.
Comment: Algorithms developed to predict the effect of missense changes on protein structure and function are either unavailable or do not agree on the potential impact of this missense change (SIFT: "Tolerated"; PolyPhen-2: "Possibly Damaging"; Align-GVGD: "Class C0"). ClinVar contains an entry for this variant (Variation ID: 1061906). This variant has not been reported in the literature in individuals affected with PTPRC-related conditions. This variant is present in population databases (rs759266994, gnomAD 0.0009%). This sequence change replaces serine, which is neutral and polar, with asparagine, which is neutral and polar, at codon 486 of the PTPRC protein (p.Ser486Asn). In summary, the available evidence is currently insufficient to determine the role of this variant in disease. Therefore, it has been classified as a Variant of Uncertain Significance.